The following is an entry in ClinVar:

ClinVar aggregate classification (germline): Uncertain significance (1 of 4 stars; one submission).

Allele frequency attached by ClinVar (database versions not stated): TOPMed below 0.00001.

Submission:

Ambry Genetics
Classification: Uncertain significance. Last evaluated: 2022-03-08. Review status: criteria provided, single submitter. Criteria: Ambry Variant Classification Scheme 2023. Collection method: clinical testing. Allele origin: germline.
Comment: The p.P231S variant (also known as c.691C>T), located in coding exon 2 of the TERF2IP gene, results from a C to T substitution at nucleotide position 691. The proline at codon 231 is replaced by serine, an amino acid with similar properties. This amino acid position is conserved. In addition, this alteration is predicted to be tolerated by in silico analysis. Since supporting evidence is limited at this time, the clinical significance of this alteration remains unclear.

NM_018975.4(TERF2IP):c.691C>T (p.Pro231Ser)

Gene: TERF2IP (TERF2 interacting protein; plus strand). Cytogenetic location: 16q23.1.
Variant type: single nucleotide variant.
Coding change: c.691C>T on transcript NM_018975.4 (MANE Select); coding-DNA position 691, C replaced by T.
Protein change: p.Pro231Ser; replaces proline 231 with serine.
Molecular consequence: missense variant. On other transcripts: non-coding transcript variant (1).
Genome position (GRCh38, 1-based): chr16:75,654,293, C>T. VCF-style: chr16-75654293-C-T. GRCh37 (hg19) VCF-style: chr16-75688191-C-T.
Other names: short protein forms P231S.
Identifiers: ClinVar variation 1756157 (VCV001756157.2), dbSNP rs896541233, ClinGen allele CA284338527.